The following is an entry in ClinVar:

NM_001199753.2(CPT1C):c.1265C>A (p.Ala422Glu)

Gene: CPT1C (carnitine palmitoyltransferase 1C; plus strand). Cytogenetic location: 19q13.33.
Variant type: single nucleotide variant.
Coding change: c.1265C>A on transcript NM_001199753.2 (MANE Select); coding-DNA position 1265, C replaced by A.
Protein change: p.Ala422Glu; replaces alanine 422 with glutamic acid.
Molecular consequence: missense variant. On other transcripts: non-coding transcript variant (1).
Genome position (GRCh38, 1-based): chr19:49,706,335, C>A. VCF-style: chr19-49706335-C-A. GRCh37 (hg19) VCF-style: chr19-50209592-C-A.
Other names: c.1232C>A, p.Ala411Glu (NM_001136052.3, NM_001378485.1, NM_001378487.1); c.1265C>A, p.Ala422Glu (NM_001199752.3, NM_001378483.1, NM_001378484.1 and 3 more transcripts); c.1331C>A, p.Ala444Glu (NM_001378482.1); short protein forms A411E, A422E, A444E.
Identifiers: ClinVar variation 2170939 (VCV002170939.4), dbSNP rs749232107, ClinGen allele CA406904799.

ClinVar aggregate classification (germline): Uncertain significance (1 of 4 stars; one submission).

Conditions:
Hereditary spastic paraplegia 73. Also called: Spastic paraplegia 73, autosomal dominant. Identifiers: Orphanet 444099, MedGen C5568981, MONDO:0014568, OMIM 616282.

gnomAD v4.1: 2 of 1,521,756 alleles (0.00013%); highest among the groups gnomAD compares: Non-Finnish European, 0.00018%; no homozygotes.

Submission:

Labcorp Genetics (formerly Invitae), Labcorp
Classification: Uncertain significance for Hereditary spastic paraplegia 73. Last evaluated: 2022-10-02. Review status: criteria provided, single submitter. Criteria: Invitae Variant Classification Sherloc (09022015). Collection method: clinical testing. Allele origin: germline.
Comment: In summary, the available evidence is currently insufficient to determine the role of this variant in disease. Therefore, it has been classified as a Variant of Uncertain Significance. Advanced modeling of protein sequence and biophysical properties (such as structural, functional, and spatial information, amino acid conservation, physicochemical variation, residue mobility, and thermodynamic stability) performed at Invitae indicates that this missense variant is not expected to disrupt CPT1C protein function. This variant has not been reported in the literature in individuals affected with CPT1C-related conditions. This variant is not present in population databases (gnomAD no frequency). This sequence change replaces alanine, which is neutral and non-polar, with glutamic acid, which is acidic and polar, at codon 411 of the CPT1C protein (p.Ala411Glu).